The following is an entry in ClinVar:

ClinVar aggregate classification (germline): Pathogenic. Review status: criteria provided, multiple submitters, no conflicts (2 of 4 stars). 15 submissions from 14 submitters: Pathogenic (11). 4 of the submissions do not count toward it. Last evaluated 2025-09-02.

Conditions:
Ehlers-Danlos syndrome (EDS). Identifiers: Orphanet 98249, MedGen C0013720, MONDO:0020066.
Osteogenesis imperfecta with normal sclerae, dominant form (OI4). Also called: OSTEOGENESIS IMPERFECTA WITH NORMAL SCLERAE; OSTEOGENESIS IMPERFECTA, TYPE IV, WITH DENTINOGENESIS IMPERFECTA; Common Variable Osteogenesis Imperfecta with Normal Sclerae; Osteogenesis Imperfecta Type IV; Osteogenesis imperfecta type 4. Identifiers: Orphanet 216820, Orphanet 666, MedGen C0268363, MONDO:0008148, OMIM 166220.
Osteogenesis imperfecta type I (OI1). Also called: Lobstein's Disease; OI, TYPE I; OSTEOGENESIS IMPERFECTA TARDA; OSTEOGENESIS IMPERFECTA WITH BLUE SCLERAE; Classic Non-deforming Osteogenesis Imperfecta with Blue Sclerae; Lobstein disease. Identifiers: Orphanet 216796, Orphanet 666, MedGen C0023931, MONDO:0008146, OMIM 166200. Disease mechanism: loss of function.
Osteogenesis imperfecta (OI). Identifiers: Orphanet 666, MedGen C0029434, MeSH D010013, MONDO:0019019.
Osteogenesis imperfecta type III (OI3). Also called: Progressively Deforming Osteogenesis Imperfecta; Osteogenesis imperfecta type 3; OI type 3; Osteogenesis imperfecta, progressively deforming with normal sclerae; OI type III. Identifiers: Orphanet 216812, Orphanet 666, MedGen C0268362, MONDO:0009804, OMIM 259420.
COL1A1-related disorder. Also called: COL1A1-related condition; COL1A1- related disease.

Submissions (15):

Labcorp Genetics (formerly Invitae), Labcorp
Classification: Pathogenic for Osteogenesis imperfecta type I. Last evaluated: 2025-09-02. Review status: criteria provided, single submitter. Criteria: Invitae Variant Classification Sherloc (09022015). Collection method: clinical testing. Allele origin: germline.
Comment: This sequence change replaces glycine, which is neutral and non-polar, with serine, which is neutral and polar, at codon 560 of the COL1A1 protein (p.Gly560Ser). This variant is not present in population databases (gnomAD no frequency). This missense change has been observed in individuals with osteogenesis imperfecta types III and IV (PMID: 7691343, 15741671, 17078022, 19751715, 22753364, 24668929, 27510842). It has also been observed to segregate with disease in related individuals. This variant is also known as Gly382Ser. ClinVar contains an entry for this variant (Variation ID: 265433). Invitae Evidence Modeling of protein sequence and biophysical properties (such as structural, functional, and spatial information, amino acid conservation, physicochemical variation, residue mobility, and thermodynamic stability) indicates that this missense variant is expected to disrupt COL1A1 protein function with a positive predictive value of 95%. This variant disrupts the triple helix domain of COL1A1. Glycine residues within the Gly-Xaa-Yaa repeats of the triple helix domain are required for the structure and stability of fibrillar collagens (PMID: 7695699, 8218237, 19344236). In COL1A1, variants affecting these glycine residues are significantly enriched in individuals with disease (PMID: 9016532, 17078022) compared to the general population (ExAC). For these reasons, this variant has been classified as Pathogenic.

Centre for Medical Genetics,  Mumbai
Classification: Pathogenic for Osteogenesis imperfecta type I; Osteogenesis imperfecta type III; Osteogenesis imperfecta with normal sclerae, dominant form. Last evaluated: 2025-08-23. Review status: criteria provided, single submitter. Criteria: ACMG Guidelines, 2015. Collection method: clinical testing. Allele origin: germline. Affected: yes. Observed: 1 variant allele.

GeneDx
Classification: Pathogenic. Last evaluated: 2025-08-22. Review status: criteria provided, single submitter. Criteria: GeneDx Variant Classification Process June 2021. Collection method: clinical testing. Allele origin: germline. Affected: yes.
Comment: Occurs in the triple helical domain and replaces a glycine in a canonical Gly-X-Y repeat; missense substitution of a canonical glycine residue is expected to disrupt normal protein folding and function, and this is an established mechanism of disease (PMID: 34007986); Not observed at significant frequency in large population cohorts (gnomAD); In silico analysis supports that this missense variant has a deleterious effect on protein structure/function; Also known as p.(G382S) using alternate nomenclature; This variant is associated with the following publications: (PMID: 25944380, 36307859, 36709916, 37270749, 37880672, 34627339, 39957537, 40282376, 7691343, 17078022, 15741671, 22753364, 26432670, 26177859, 27510842, 30715774, 30692697, 30886339, 31299979, 32981126, 33939306, 28528406, 36140746, 34358384, 24668929, 34007986, 19751715, 27509835, 40602110, 38346409, 38702915)

Clinical Biomedical Laboratory, Shriners Hospital For Children - Canada
Classification: Pathogenic for Osteogenesis imperfecta type I. Last evaluated: 2025-07-16. Review status: criteria provided, single submitter. Criteria: ACMG Guidelines, 2015. Collection method: clinical testing. Allele origin: germline. Affected: yes.
Comment: This variant is predicted to substitute a glycine residue by a serine residue in the alpha 1 chain of collagen type I. Glycine substitutions in the triple helical domain of collagen type I cause disruption in the formation of the triple helix in the collagen molecule and are a typical cause of osteogenesis imperfecta. This variant is absent from the Genome Aggregation Database (v2.1.1). This variant has been reported in the literature (PMID: 27509835). We have observed this variant in our laboratory variant database in >10 individuals diagnosed with osteogenesis imperfecta.

Medical Genetics Center, Maternal and Child Health Hospital of Hubei Province
Classification: Pathogenic for Osteogenesis imperfecta type I. Last evaluated: 2022-08-24. Review status: criteria provided, single submitter. Criteria: ACMG Guidelines, 2015. Collection method: clinical testing. Allele origin: de novo. Affected: yes.

Blueprint Genetics
Classification: Pathogenic for COL1A1-related disorders. Last evaluated: 2020-07-13. Review status: criteria provided, single submitter. Criteria: ACMG Guidelines, 2015. Collection method: clinical testing. Allele origin: germline. Affected: yes. Observed: 4 variant alleles.

Genome Diagnostics Laboratory, The Hospital for Sick Children
Classification: Pathogenic for Osteogenesis imperfecta. Last evaluated: 2020-01-13. Review status: criteria provided, single submitter. Criteria: ACMG Guidelines, 2015. Collection method: clinical testing. Allele origin: germline.

Genome Diagnostics Laboratory, The Hospital for Sick Children
Classification: Pathogenic for Ehlers-Danlos syndrome. Last evaluated: 2019-11-01. Review status: criteria provided, single submitter. Criteria: ACMG Guidelines, 2015. Collection method: clinical testing. Allele origin: germline.

Eurofins Ntd Llc (ga)
Classification: Pathogenic. Last evaluated: 2015-09-02. Review status: criteria provided, single submitter. Criteria: EGL Classification Definitions 2015. Collection method: clinical testing. Allele origin: germline. Observed: 1 variant allele, 1 heterozygote.

Juno Genomics, Hangzhou Juno Genomics, Inc
Classification: Pathogenic for Osteogenesis imperfecta with normal sclerae, dominant form. Review status: criteria provided, single submitter. Criteria: ACMG Guidelines, 2015. Collection method: clinical testing. Allele origin: germline. Affected: yes.
Comment: Absent from controls (or at extremely low frequency if recessive) in Genome Aggregation Database.;Multiple lines of computational evidence support a deleterious effect on the gene or gene product.;Missense variant in a gene that has a low rate of benign missense variation.;The prevalence of the variant in affected individuals is significantly increased compared to the prevalence in controls.;Co-segregation with disease in multiple affected family members.;De novo (both maternity and paternity confirmed) in a patient with the disease and no family history.;Located in a mutational hot spot and/or critical and well-established functional domain without benign variation.

Suma Genomics
Classification: Pathogenic for Osteogenesis imperfecta type I. Review status: criteria provided, single submitter. Criteria: ACMG Guidelines, 2015. Collection method: clinical testing. Allele origin: unknown. Inheritance: Autosomal dominant inheritance. Affected: yes.

PreventionGenetics, part of Exact Sciences
Classification: Pathogenic for COL1A1-related condition. Last evaluated: 2024-06-01. Review status: no assertion criteria provided. Collection method: clinical testing. Allele origin: germline. Not counted in ClinVar's aggregate classification.
Comment: The COL1A1 c.1678G>A variant is predicted to result in the amino acid substitution p.Gly560Ser. This variant, also known as p.Gly382Ser using legacy nomenclature, has been reported in patients with various types of osteogenesis imperfecta (OI): type I (Patient 15 in Malmgren et al. 2016. PubMed ID: 27510842); type II (Patient AN_006035 in Additional file 1 in Maioli et al. 2019. PubMed ID: 30886339); type III (P18 in Kanno et al. 2017. PubMed ID: 28528406); type IV (Patient # 74 in Reis et al. 2005. PubMed ID: 15741671; Patient AN_000044 in Gentile et al. 2012. PubMed ID: 22753364); type I/IV (Patient 4 in Stephen et al. 2014. PubMed ID: 24668929). This variant has been documented as causing "moderate to severe" OI (Higuchi et al. 2021. PubMed ID: 33939306). This variant is located in the conserved Gly-Xaa-Yaa triple helical domain where substitutions of a glycine are usually pathogenic (Residues 179-1192; Legacy nomenclature in Marini et al. 2007. PubMed ID: 17078022; Symoens et al. 2014. PubMed ID: 25146735). This variant has not been reported in a large population database, indicating this variant is rare. Based on this evidence, this variant is interpreted as pathogenic.

Baylor Genetics
Classification: Pathogenic for osteogenesis imperfecta. Last evaluated: 2018-11-18. Review status: no assertion criteria provided. Collection method: clinical testing. Allele origin: germline. Affected: yes. Not counted in ClinVar's aggregate classification.

Bioscientia Institut fuer Medizinische Diagnostik GmbH, Sonic Healthcare
Classification: Pathogenic for Osteogenesis imperfecta type I. Last evaluated: 2017-04-20. Review status: no assertion criteria provided. Collection method: clinical testing. Allele origin: germline. Affected: yes. Not counted in ClinVar's aggregate classification.

Department of Medical Sciences, Uppsala University
Classification: Pathogenic for OI type I. Review status: no assertion criteria provided. Collection method: clinical testing. Allele origin: maternal. Affected: yes. Observed: 2 variant alleles. Not counted in ClinVar's aggregate classification.

Literature cited by the submitters: PubMed 7691343 (cited by Labcorp Genetics (formerly Invitae), Labcorp); PubMed 15741671 (cited by Labcorp Genetics (formerly Invitae), Labcorp); PubMed 17078022 (cited by Labcorp Genetics (formerly Invitae), Labcorp); PubMed 19751715 (cited by Labcorp Genetics (formerly Invitae), Labcorp); PubMed 22753364 (cited by Labcorp Genetics (formerly Invitae), Labcorp); PubMed 24668929 (cited by Labcorp Genetics (formerly Invitae), Labcorp); PubMed 27510842 (cited by Labcorp Genetics (formerly Invitae), Labcorp); PubMed 7695699 (cited by Labcorp Genetics (formerly Invitae), Labcorp); PubMed 8218237 (cited by Labcorp Genetics (formerly Invitae), Labcorp); PubMed 19344236 (cited by Labcorp Genetics (formerly Invitae), Labcorp); PubMed 9016532 (cited by Labcorp Genetics (formerly Invitae), Labcorp); PubMed 27509835 (cited by Clinical Biomedical Laboratory, Shriners Hospital For Children - Canada); PubMed 33939306 (cited by Medical Genetics Center, Maternal and Child Health Hospital of Hubei Province); PubMed 32981126 (cited by Medical Genetics Center, Maternal and Child Health Hospital of Hubei Province); PubMed 31299979 (cited by Medical Genetics Center, Maternal and Child Health Hospital of Hubei Province); PubMed 30886339 (cited by Medical Genetics Center, Maternal and Child Health Hospital of Hubei Province); PubMed 30715774 (cited by Medical Genetics Center, Maternal and Child Health Hospital of Hubei Province); PubMed 25944380 (cited by Department of Medical Sciences, Uppsala University).

NM_000088.4(COL1A1):c.1678G>A (p.Gly560Ser)

Gene: COL1A1 (collagen type I alpha 1 chain; minus strand). Cytogenetic location: 17q21.33.
Variant type: single nucleotide variant.
Coding change: c.1678G>A on transcript NM_000088.4 (MANE Select); coding-DNA position 1678, G replaced by A.
Protein change: p.Gly560Ser; replaces glycine 560 with serine.
Molecular consequence: missense variant.
Genome position (GRCh38, 1-based): chr17:50,194,032, C>T on the plus strand (G>A on the coding strand, the complement: COL1A1 is on the minus strand). VCF-style: chr17-50194032-C-T. GRCh37 (hg19) VCF-style: chr17-48271393-C-T.
Other names: c.1678G>A (LRG_1t1); short protein forms G560S.
Identifiers: ClinVar variation 265433 (VCV000265433.34), dbSNP rs67507747, ClinGen allele CA10588664.